The following is an entry in ClinVar:

ClinVar aggregate classification (germline): Uncertain significance (1 of 4 stars; one submission).

Conditions:
Cyclical neutropenia. Also called: Cyclic Neutropenia; Cyclic hematopoiesis. Identifiers: Orphanet 2686, MedGen C0221023, MONDO:0008090, OMIM 162800, HP:0040289. Disease mechanism: loss of function.
Neutropenia, severe congenital, 1, autosomal dominant. Identifiers: MedGen C1859966, MONDO:0042490, OMIM 202700.

Submission:

Labcorp Genetics (formerly Invitae), Labcorp
Classification: Uncertain significance for Neutropenia, severe congenital, 1, autosomal dominant; Cyclical neutropenia. Last evaluated: 2025-03-03. Review status: criteria provided, single submitter. Criteria: Invitae Variant Classification Sherloc (09022015). Collection method: clinical testing. Allele origin: germline.
Comment: This sequence change falls in intron 2 of the ELANE gene. It does not directly change the encoded amino acid sequence of the ELANE protein. It affects a nucleotide within the consensus splice site. This variant is not present in population databases (gnomAD no frequency). This variant has not been reported in the literature in individuals affected with ELANE-related conditions. Variants that disrupt the consensus splice site are a relatively common cause of aberrant splicing (PMID: 17576681, 9536098). Algorithms developed to predict the effect of sequence changes on RNA splicing suggest that this variant may disrupt the consensus splice site. In summary, the available evidence is currently insufficient to determine the role of this variant in disease. Therefore, it has been classified as a Variant of Uncertain Significance.

Literature cited by the submitters: PubMed 17576681; PubMed 9536098.

NM_001972.4(ELANE):c.224+4A>G

Gene: ELANE (elastase, neutrophil expressed; plus strand). Cytogenetic location: 19p13.3.
Variant type: single nucleotide variant.
Coding change: c.224+4A>G on transcript NM_001972.4 (MANE Select); 4 bases into the intron after coding-DNA position 224, A replaced by G.
Molecular consequence: intron variant.
Genome position (GRCh38, 1-based): chr19:853,036, A>G. VCF-style: chr19-853036-A-G. GRCh37 (hg19) VCF-style: chr19-853036-A-G.
Identifiers: ClinVar variation 4794031 (VCV004794031.1).